The following is an entry in ClinVar:

ClinVar aggregate classification (germline): Uncertain significance. Review status: criteria provided, multiple submitters, no conflicts (2 of 4 stars). 2 submissions from 2 submitters: Uncertain significance (2). Last evaluated 2025-12-30.

Conditions:
Familial thoracic aortic aneurysm and aortic dissection (TAAD). Also called: Thoracic aortic aneurysms and dissections. Identifiers: Orphanet 91387, MedGen C4707243, MONDO:0019625.
Shprintzen-Goldberg syndrome (SGS). Also called: Marfanoid disorder with craniosynostosis type 1; Marfanoid craniosynostosis syndrome; Shprintzen-Goldberg marfanoid syndrome; SHPRINTZEN-GOLDBERG CRANIOSYNOSTOSIS SYNDROME; CRANIOSYNOSTOSIS WITH ARACHNODACTYLY AND ABDOMINAL HERNIAS. Identifiers: Orphanet 2462, MedGen C1321551, MONDO:0008426, OMIM 182212.

Submissions (2):

Ambry Genetics
Classification: Uncertain significance for Familial thoracic aortic aneurysm and aortic dissection. Last evaluated: 2025-12-30. Review status: criteria provided, single submitter. Criteria: Ambry Variant Classification Scheme 2023. Collection method: clinical testing. Allele origin: germline.
Comment: The p.K625E variant (also known as c.1873A>G), located in coding exon 6 of the SKI gene, results from an A to G substitution at nucleotide position 1873. The lysine at codon 625 is replaced by glutamic acid, an amino acid with similar properties. This amino acid position is conserved. In addition, the in silico prediction for this alteration is inconclusive. Based on the available evidence, the clinical significance of this variant remains unclear.

Labcorp Genetics (formerly Invitae), Labcorp
Classification: Uncertain significance for Shprintzen-Goldberg syndrome. Last evaluated: 2025-12-01. Review status: criteria provided, single submitter. Criteria: Invitae Variant Classification Sherloc (09022015). Collection method: clinical testing. Allele origin: germline.
Comment: This sequence change replaces lysine, which is basic and polar, with glutamic acid, which is acidic and polar, at codon 625 of the SKI protein (p.Lys625Glu). This variant is not present in population databases (gnomAD no frequency). This variant has not been reported in the literature in individuals affected with SKI-related conditions. Invitae Evidence Modeling of protein sequence and biophysical properties (such as structural, functional, and spatial information, amino acid conservation, physicochemical variation, residue mobility, and thermodynamic stability) indicates that this missense variant is not expected to disrupt SKI protein function with a negative predictive value of 95%. In summary, the available evidence is currently insufficient to determine the role of this variant in disease. Therefore, it has been classified as a Variant of Uncertain Significance.

NM_003036.4(SKI):c.1873A>G (p.Lys625Glu)

Gene: SKI (SKI proto-oncogene; plus strand). Cytogenetic location: 1p36.32.
Variant type: single nucleotide variant.
Coding change: c.1873A>G on transcript NM_003036.4 (MANE Select); coding-DNA position 1873, A replaced by G.
Protein change: p.Lys625Glu; replaces lysine 625 with glutamic acid.
Molecular consequence: missense variant.
Genome position (GRCh38, 1-based): chr1:2,306,125, A>G. VCF-style: chr1-2306125-A-G. GRCh37 (hg19) VCF-style: chr1-2237564-A-G.
Other names: c.1873A>G (NM_003036.3); short protein forms K625E.
Identifiers: ClinVar variation 4776648 (VCV004776648.2).